The following is an entry in ClinVar:

NM_004522.3(KIF5C):c.404A>G (p.Tyr135Cys)

Gene: KIF5C (kinesin family member 5C; plus strand). Cytogenetic location: 2q23.1.
Variant type: single nucleotide variant.
Coding change: c.404A>G on transcript NM_004522.3 (MANE Select); coding-DNA position 404, A replaced by G.
Protein change: p.Tyr135Cys; replaces tyrosine 135 with cysteine.
Molecular consequence: missense variant.
Genome position (GRCh38, 1-based): chr2:148,941,617, A>G. VCF-style: chr2-148941617-A-G. GRCh37 (hg19) VCF-style: chr2-149798131-A-G.
Other names: short protein forms Y135C.
Identifiers: ClinVar variation 3384044 (VCV003384044.2).
Genomic context (GRCh38, chr2:148,941,617, plus strand): 5'-TTTTGAAATACACTGCGGCATGTCTATTCCAAGCTCAATTTGTTTTTAACTAGGTTTCCT[A>G]TTTTGAGATCTACTTGGACAAAATAAGGGACTTACTTGATGGTAAGTAACCTCAGTGCTT-3'
Protein context (NP_004513.1, residues 125-145): ENLEFHIKVS[Tyr135Cys]FEIYLDKIRD

ClinVar aggregate classification (germline): Likely pathogenic. Review status: criteria provided, multiple submitters, no conflicts (2 of 4 stars). 2 submissions from 2 submitters: Likely pathogenic (2). Last evaluated 2024-12-12.

Conditions:
Cortical dysplasia. Identifiers: Orphanet 268950, MedGen C0431380, MONDO:0017094, HP:0002539.
Complex cortical dysplasia with other brain malformations 2. Identifiers: MedGen C3809013, MONDO:0014116, OMIM 615282.

gnomAD v4.1: 1 of 1,558,764 alleles (0.000064%); highest among the groups gnomAD compares: African/African-American, 0.0014%; no homozygotes.

Submissions (2):

Institute of Human Genetics, University of Leipzig Medical Center
Classification: Likely pathogenic for Complex cortical dysplasia with other brain malformations 2. Last evaluated: 2024-12-12. Review status: criteria provided, single submitter. Criteria: ACMG Guidelines, 2015. Collection method: literature only. Allele origin: de novo. Affected: yes.
Comment: PS2_moderate, PM1, PM2, PP2, PP3

Dubai Health Genomic Medicine Center, Dubai Health
Classification: Likely pathogenic for Cortical dysplasia. Last evaluated: 2024-10-04. Review status: criteria provided, single submitter. Criteria: ACMG Guidelines, 2015. Collection method: research. Allele origin: germline. Affected: yes.
Comment: PM6,PM2,PP3,PP2

Literature cited by the submitters: PubMed 27391121 (cited by Institute of Human Genetics, University of Leipzig Medical Center).